The following is an entry in ClinVar:

NM_001605.3(AARS1):c.1110G>C (p.Met370Ile)

Gene: AARS1 (alanyl-tRNA synthetase 1; minus strand). Cytogenetic location: 16q22.1.
Variant type: single nucleotide variant.
Coding change: c.1110G>C on transcript NM_001605.3 (MANE Select); coding-DNA position 1110, G replaced by C.
Protein change: p.Met370Ile; replaces methionine 370 with isoleucine.
Molecular consequence: missense variant.
Genome position (GRCh38, 1-based): chr16:70,267,771, C>G on the plus strand (G>C on the coding strand, the complement: AARS1 is on the minus strand). VCF-style: chr16-70267771-C-G. GRCh37 (hg19) VCF-style: chr16-70301674-C-G.
Other names: short protein forms M370I.
Identifiers: ClinVar variation 887306 (VCV000887306.12), dbSNP rs1468385890, ClinGen allele CA396563867.
Genomic context (GRCh38, chr16:70,267,771, plus strand): 5'-ACGCCCTCTGCTGAGAGTCTTGAGAAACTGCACCTCTTCTTCATTAATGATGTCCTTCAC[C>G]ATGTCTGGGTCCTTCTTCAGCTCAGGAAATGCATCTCCCTGACAAAGGGGAAGCAAGATG-3'
Protein context (NP_001596.2, residues 360-380): AFPELKKDPD[Met370Ile]VKDIINEEEV

ClinVar aggregate classification (germline): Uncertain significance. Review status: criteria provided, multiple submitters, no conflicts (2 of 4 stars). 3 submissions from 3 submitters: Uncertain significance (3). Last evaluated 2025-10-27.

Conditions:
AARS1-related disorder. Also called: AARS1-related condition.
Charcot-Marie-Tooth disease type 2. Also called: Charcot-Marie-Tooth type 2. Identifiers: Orphanet 64746, MedGen C0270914, MONDO:0018993.
Charcot-Marie-Tooth disease axonal type 2N (CMT2N). Also called: CHARCOT-MARIE-TOOTH DISEASE, AXONAL, AUTOSOMAL DOMINANT, TYPE 2N; CHARCOT-MARIE-TOOTH NEUROPATHY, AXONAL, TYPE 2N; Charcot-Marie-Tooth Neuropathy Type 2N. Identifiers: Orphanet 228174, MedGen C2750090, MONDO:0013212, OMIM 613287.

Allele frequency attached by ClinVar (database versions not stated): gnomAD 0.00001; gnomAD exomes 0.00001; TOPMed 0.00002.
gnomAD v4.1: 37 of 1,614,030 alleles (0.0023%); highest among the groups gnomAD compares: Non-Finnish European, 0.0028%; no homozygotes.

Submissions (3):

PreventionGenetics, part of Exact Sciences
Classification: Uncertain significance for AARS1-related condition. Last evaluated: 2025-10-27. Review status: criteria provided, single submitter. Criteria: ACMG Guidelines, 2015. Collection method: clinical testing. Allele origin: germline.
Comment: The AARS1 c.1110G>C variant is predicted to result in the amino acid substitution p.Met370Ile. To our knowledge, this variant has not been reported in the literature. This variant is reported in 0.0018% of alleles in individuals of European (non-Finnish) descent in gnomAD. At this time, the clinical significance of this variant is uncertain due to the absence of conclusive functional and genetic evidence.

Labcorp Genetics (formerly Invitae), Labcorp
Classification: Uncertain significance for Charcot-Marie-Tooth disease type 2. Last evaluated: 2023-05-06. Review status: criteria provided, single submitter. Criteria: Invitae Variant Classification Sherloc (09022015). Collection method: clinical testing. Allele origin: germline.
Comment: This variant is present in population databases (no rsID available, gnomAD 0.002%). In summary, the available evidence is currently insufficient to determine the role of this variant in disease. Therefore, it has been classified as a Variant of Uncertain Significance. Advanced modeling of protein sequence and biophysical properties (such as structural, functional, and spatial information, amino acid conservation, physicochemical variation, residue mobility, and thermodynamic stability) performed at Invitae indicates that this missense variant is not expected to disrupt AARS protein function. ClinVar contains an entry for this variant (Variation ID: 887306). This variant has not been reported in the literature in individuals affected with AARS-related conditions. This sequence change replaces methionine, which is neutral and non-polar, with isoleucine, which is neutral and non-polar, at codon 370 of the AARS protein (p.Met370Ile).

Illumina Laboratory Services, Illumina
Classification: Uncertain significance for Charcot-Marie-Tooth disease axonal type 2N. Last evaluated: 2018-01-13. Review status: criteria provided, single submitter. Criteria: ICSL Variant Classification Criteria 13 December 2019. Collection method: clinical testing. Allele origin: germline.